The following is an entry in ClinVar:

ClinVar aggregate classification (germline): Likely benign (1 of 4 stars; one submission).

gnomAD v4.1: 19 of 1,611,604 alleles (0.0012%); highest among the groups gnomAD compares: Non-Finnish European, 0.0014%; no homozygotes.

Submission:

Mayo Clinic Laboratories, Mayo Clinic
Classification: Likely benign. Last evaluated: 2025-02-27. Review status: criteria provided, single submitter. Criteria: ACMG Guidelines, 2015. Collection method: clinical testing. Allele origin: germline. Observed: 1 variant allele.
Comment: BP4, BP7

NM_001201550.3(CFHR4):c.1255T>C (p.Leu419=)

Gene: CFHR4 (complement factor H related 4; plus strand). Cytogenetic location: 1q31.3.
Variant type: single nucleotide variant.
Coding change: c.1255T>C on transcript NM_001201550.3 (MANE Select); coding-DNA position 1255, T replaced by C.
Protein change: p.Leu419=; no amino-acid change (leucine 419 retained).
Molecular consequence: synonymous variant.
Genome position (GRCh38, 1-based): chr1:196,914,569, T>C. VCF-style: chr1-196914569-T-C. GRCh37 (hg19) VCF-style: chr1-196883699-T-C.
Other names: p.Leu418=; c.1252T>C, p.Leu418= (NM_001201551.2); c.514T>C, p.Leu172= (NM_006684.5).
Identifiers: ClinVar variation 4684006 (VCV004684006.1).